The following is an entry in ClinVar:

ClinVar aggregate classification (germline): Conflicting classifications of pathogenicity. Review status: criteria provided, conflicting classifications (1 of 4 stars). 2 submissions from 2 submitters: Uncertain significance (1); Likely benign (1). Last evaluated 2025-04-13.

Conditions:
Dilated cardiomyopathy 1O (CMD1O). Also called: CARDIOMYOPATHY, DILATED, WITH VENTRICULAR TACHYCARDIA. Identifiers: Orphanet 154, MedGen C1837839, MONDO:0012062, OMIM 608569.
Cardiovascular phenotype. Identifiers: MedGen CN230736.

Allele frequency attached by ClinVar (database versions not stated): gnomAD 0.00001; gnomAD exomes 0.00001; TOPMed 0.00001; ExAC 0.00002.
gnomAD v4.1: 6 of 1,606,438 alleles (0.00037%); highest among the groups gnomAD compares: Non-Finnish European, 0.00051%; no homozygotes.

Submissions (2):

Ambry Genetics
Classification: Likely benign for Cardiovascular phenotype. Last evaluated: 2025-04-13. Review status: criteria provided, single submitter. Criteria: Ambry Variant Classification Scheme 2023. Collection method: clinical testing. Allele origin: germline.

Labcorp Genetics (formerly Invitae), Labcorp
Classification: Uncertain significance for Dilated cardiomyopathy 1O. Last evaluated: 2024-09-23. Review status: criteria provided, single submitter. Criteria: Invitae Variant Classification Sherloc (09022015). Collection method: clinical testing. Allele origin: germline.
Comment: This sequence change affects codon 601 of the ABCC9 mRNA. It is a 'silent' change, meaning that it does not change the encoded amino acid sequence of the ABCC9 protein. It affects a nucleotide within the consensus splice site. This variant is present in population databases (rs773930785, gnomAD 0.002%). This variant has not been reported in the literature in individuals affected with ABCC9-related conditions. ClinVar contains an entry for this variant (Variation ID: 2560400). Algorithms developed to predict the effect of sequence changes on RNA splicing suggest that this variant is not likely to affect RNA splicing. In summary, the available evidence is currently insufficient to determine the role of this variant in disease. Therefore, it has been classified as a Variant of Uncertain Significance.

NM_020297.4(ABCC9):c.1803T>C (p.Ser601=)

Gene: ABCC9 (ATP binding cassette subfamily C member 9; minus strand). Cytogenetic location: 12p12.1.
Variant type: single nucleotide variant.
Coding change: c.1803T>C on transcript NM_020297.4 (MANE Select); coding-DNA position 1803, T replaced by C.
Protein change: p.Ser601=; no amino-acid change (serine 601 retained).
Molecular consequence: synonymous variant.
Genome position (GRCh38, 1-based): chr12:21,887,934, A>G on the plus strand (T>C on the coding strand, the complement: ABCC9 is on the minus strand). VCF-style: chr12-21887934-A-G. GRCh37 (hg19) VCF-style: chr12-22040868-A-G.
Other names: c.1803T>C, p.Ser601= (NM_001377273.1, NM_005691.4); c.939T>C, p.Ser313= (NM_001377274.1).
Identifiers: ClinVar variation 2560400 (VCV002560400.6), dbSNP rs773930785, ClinGen allele CA6481575.